The following is an entry in ClinVar:

ClinVar aggregate classification (germline): Uncertain significance (1 of 4 stars; one submission).

Conditions:
Cardiovascular phenotype. Identifiers: MedGen CN230736.

gnomAD v4.1: 1 of 1,546,610 alleles (0.000065%); highest among the groups gnomAD compares: Admixed American, 0.002%; no homozygotes.

Submission:

Ambry Genetics
Classification: Uncertain significance for Cardiovascular phenotype. Last evaluated: 2025-03-23. Review status: criteria provided, single submitter. Criteria: Ambry Variant Classification Scheme 2023. Collection method: clinical testing. Allele origin: germline.
Comment: The p.Q103E variant (also known as c.307C>G), located in coding exon 1 of the ZNF469 gene, results from a C to G substitution at nucleotide position 307. The glutamine at codon 103 is replaced by glutamic acid, an amino acid with highly similar properties. This amino acid position is conserved. In addition, this alteration is predicted to be tolerated by in silico analysis. Based on the available evidence, the clinical significance of this variant remains unclear.

NM_001367624.2(ZNF469):c.307C>G (p.Gln103Glu)

Gene: ZNF469 (zinc finger protein 469; plus strand). Cytogenetic location: 16q24.2.
Variant type: single nucleotide variant.
Coding change: c.307C>G on transcript NM_001367624.2 (MANE Select); coding-DNA position 307, C replaced by G.
Protein change: p.Gln103Glu; replaces glutamine 103 with glutamic acid.
Molecular consequence: missense variant.
Genome position (GRCh38, 1-based): chr16:88,427,777, C>G. VCF-style: chr16-88427777-C-G. GRCh37 (hg19) VCF-style: chr16-88494185-C-G.
Other names: NM_001127464.1:c.307C>G; short protein forms Q103E.
Identifiers: ClinVar variation 3987297 (VCV003987297.1).